The following is an entry in ClinVar:

NM_000361.3(THBD):c.1519C>T (p.Pro507Ser)

Gene: THBD (thrombomodulin; minus strand). Cytogenetic location: 20p11.21.
Variant type: single nucleotide variant.
Coding change: c.1519C>T on transcript NM_000361.3 (MANE Select); coding-DNA position 1519, C replaced by T.
Protein change: p.Pro507Ser; replaces proline 507 with serine.
Molecular consequence: missense variant.
Genome position (GRCh38, 1-based): chr20:23,047,986, G>A on the plus strand (C>T on the coding strand, the complement: THBD is on the minus strand). VCF-style: chr20-23047986-G-A. GRCh37 (hg19) VCF-style: chr20-23028623-G-A.
Other names: p.Pro507Ser; short protein forms P507S.
Identifiers: ClinVar variation 1520516 (VCV001520516.13), dbSNP rs775671453, ClinGen allele CA9787537.

ClinVar aggregate classification (germline): Uncertain significance. Review status: criteria provided, multiple submitters, no conflicts (2 of 4 stars). 3 submissions from 3 submitters: Uncertain significance (3). Last evaluated 2025-11-03.

Conditions:
Atypical hemolytic-uremic syndrome with thrombomodulin anomaly. Also called: HEMOLYTIC UREMIC SYNDROME, ATYPICAL, SUSCEPTIBILITY TO, 6; AHUS, SUSCEPTIBILITY TO, 6. Identifiers: MedGen C2752036, MONDO:0013044, OMIM 612926. Disease mechanism: gain of function.
Thrombomodulin-related bleeding disorder (THPH12). Also called: Thrombophilia due to thrombomodulin defect. Identifiers: Orphanet 436169, MedGen C3280976, MONDO:0013775, OMIM 614486.

Allele frequency attached by ClinVar (database versions not stated): gnomAD 0.00001; TOPMed 0.00002; gnomAD exomes 0.00003 and 0.00005; ExAC 0.00004.
gnomAD v4.1: 76 of 1,608,570 alleles (0.0047%); highest among the groups gnomAD compares: Non-Finnish European, 0.0061%; no homozygotes.

Submissions (3):

Labcorp Genetics (formerly Invitae), Labcorp
Classification: Uncertain significance. Last evaluated: 2025-11-03. Review status: criteria provided, single submitter. Criteria: Invitae Variant Classification Sherloc (09022015). Collection method: clinical testing. Allele origin: germline.
Comment: This sequence change replaces proline, which is neutral and non-polar, with serine, which is neutral and polar, at codon 507 of the THBD protein (p.Pro507Ser). This variant is present in population databases (rs775671453, gnomAD 0.005%). This variant has not been reported in the literature in individuals affected with THBD-related conditions. ClinVar contains an entry for this variant (Variation ID: 1520516). Invitae Evidence Modeling of protein sequence and biophysical properties (such as structural, functional, and spatial information, amino acid conservation, physicochemical variation, residue mobility, and thermodynamic stability) indicates that this missense variant is not expected to disrupt THBD protein function with a negative predictive value of 80%. In summary, the available evidence is currently insufficient to determine the role of this variant in disease. Therefore, it has been classified as a Variant of Uncertain Significance.

Mayo Clinic Laboratories, Mayo Clinic
Classification: Uncertain significance. Last evaluated: 2025-01-21. Review status: criteria provided, single submitter. Criteria: ACMG Guidelines, 2015. Collection method: clinical testing. Allele origin: germline. Observed: 3 variant alleles.
Comment: BP4_moderate

Fulgent Genetics
Classification: Uncertain significance for Atypical hemolytic-uremic syndrome with thrombomodulin anomaly; Thrombomodulin-related bleeding disorder. Last evaluated: 2024-05-30. Review status: criteria provided, single submitter. Criteria: ACMG Guidelines, 2015. Collection method: clinical testing. Allele origin: germline.